The following is an entry in ClinVar:

NM_206937.2(LIG4):c.447C>T (p.Asn149=)

Gene: LIG4 (DNA ligase 4; minus strand). Cytogenetic location: 13q33.3.
Variant type: single nucleotide variant.
Coding change: c.447C>T on transcript NM_206937.2 (MANE Select); coding-DNA position 447, C replaced by T.
Protein change: p.Asn149=; no amino-acid change (asparagine 149 retained).
Molecular consequence: synonymous variant.
Genome position (GRCh38, 1-based): chr13:108,210,822, G>A on the plus strand (C>T on the coding strand, the complement: LIG4 is on the minus strand). VCF-style: chr13-108210822-G-A. GRCh37 (hg19) VCF-style: chr13-108863170-G-A.
Other names: c.447C>T, p.Asn149= (NM_001098268.2, NM_001352598.2, NM_001352599.2 and 6 more transcripts); c.246C>T, p.Asn82= (NM_001330595.2); c.483C>T, p.Asn161= (NM_001352604.2).
Identifiers: ClinVar variation 698745 (VCV000698745.13), dbSNP rs766338799, ClinGen allele CA7043839.

ClinVar aggregate classification (germline): Likely benign. Review status: criteria provided, multiple submitters, no conflicts (2 of 4 stars). 3 submissions from 3 submitters: Likely benign (2). 1 of the submissions does not count toward it. Last evaluated 2026-06-01.

Conditions:
LIG4-related disorder. Also called: LIG4-related condition; LIG4-related disorders. Identifiers: MedGen CN239380.
DNA ligase IV deficiency. Identifiers: Orphanet 99812, MedGen C1847827, MONDO:0011686, OMIM 606593.

Allele frequency attached by ClinVar (database versions not stated): gnomAD 0.00001 and 0.00002; ExAC 0.00002; gnomAD exomes 0.00003 and 0.00007; TOPMed 0.00005.

Submissions (3):

CeGaT Center for Human Genetics Tuebingen
Classification: Likely benign. Last evaluated: 2026-06-01. Review status: criteria provided, single submitter. Criteria: CeGaT Center For Human Genetics Tuebingen Variant Classification Criteria Version 2. Collection method: clinical testing. Allele origin: germline. Affected: yes. Observed: 1 variant allele.
Comment: LIG4: BP4, BP7

Labcorp Genetics (formerly Invitae), Labcorp
Classification: Likely benign for DNA ligase IV deficiency. Last evaluated: 2025-12-27. Review status: criteria provided, single submitter. Criteria: Invitae Variant Classification Sherloc (09022015). Collection method: clinical testing. Allele origin: germline.

PreventionGenetics, part of Exact Sciences
Classification: Likely benign for LIG4-related condition. Last evaluated: 2024-01-12. Review status: no assertion criteria provided. Collection method: clinical testing. Allele origin: germline. Not counted in ClinVar's aggregate classification.
Comment: This variant is classified as likely benign based on ACMG/AMP sequence variant interpretation guidelines (Richards et al. 2015 PMID: 25741868, with internal and published modifications).